The following is an entry in ClinVar:

ClinVar aggregate classification (germline): Uncertain significance (1 of 4 stars; one submission).

gnomAD v4.1: 1 of 1,612,466 alleles (0.000062%); highest among the groups gnomAD compares: Non-Finnish European, 0.000085%; no homozygotes.

Submission:

Labcorp Genetics (formerly Invitae), Labcorp
Classification: Uncertain significance. Last evaluated: 2023-11-18. Review status: criteria provided, single submitter. Criteria: Invitae Variant Classification Sherloc (09022015). Collection method: clinical testing. Allele origin: germline.
Comment: This sequence change replaces methionine, which is neutral and non-polar, with valine, which is neutral and non-polar, at codon 304 of the KAT6A protein (p.Met304Val). This variant is not present in population databases (gnomAD no frequency). This variant has not been reported in the literature in individuals affected with KAT6A-related conditions. An algorithm developed to predict the effect of missense changes on protein structure and function (PolyPhen-2) suggests that this variant is likely to be disruptive. In summary, the available evidence is currently insufficient to determine the role of this variant in disease. Therefore, it has been classified as a Variant of Uncertain Significance.

NM_006766.5(KAT6A):c.910A>G (p.Met304Val)

Gene: KAT6A (lysine acetyltransferase 6A; minus strand). Cytogenetic location: 8p11.21.
Variant type: single nucleotide variant.
Coding change: c.910A>G on transcript NM_006766.5 (MANE Select); coding-DNA position 910, A replaced by G.
Protein change: p.Met304Val; replaces methionine 304 with valine.
Molecular consequence: missense variant.
Genome position (GRCh38, 1-based): chr8:41,978,775, T>C on the plus strand (A>G on the coding strand, the complement: KAT6A is on the minus strand). VCF-style: chr8-41978775-T-C. GRCh37 (hg19) VCF-style: chr8-41836293-T-C.
Other names: c.910A>G, p.Met304Val (NM_001305878.2); short protein forms M304V.
Identifiers: ClinVar variation 2879495 (VCV002879495.3), dbSNP rs1824199927, ClinGen allele CA371076864.